The following is an entry in ClinVar:

ClinVar aggregate classification (germline): Uncertain significance. Review status: criteria provided, multiple submitters, no conflicts (2 of 4 stars). 2 submissions from 2 submitters: Uncertain significance (2). Last evaluated 2023-06-11.

Conditions:
Autosomal dominant osteopetrosis 1 (OPTA1). Also called: OSTEOPETROSIS, AUTOSOMAL DOMINANT, TYPE I. Identifiers: Orphanet 2783, MedGen C1843330, MONDO:0011877, OMIM 607634.
Exudative vitreoretinopathy 1 (EVR1). Also called: CRISWICK-SCHEPENS SYNDROME; FEVR, AUTOSOMAL DOMINANT; Familial exudative vitreoretinopathy, autosomal dominant. Identifiers: Orphanet 891, Orphanet 90050, MedGen C1851402, MONDO:0007589, OMIM 133780.
Osteoporosis. Identifiers: MedGen C0029456, MONDO:0005298, OMIM 166710, HP:0000939.
Polycystic liver disease 4 with or without kidney cysts. Identifiers: MedGen C4693479, MONDO:0044327, OMIM 617875.
Exudative vitreoretinopathy 4 (EVR4). Identifiers: Orphanet 891, MedGen C1866176, MONDO:0011151, OMIM 601813.
Osteoporosis with pseudoglioma (OPPG). Also called: osteoporosis-pseudoglioma syndrome. Identifiers: Orphanet 2788, MedGen C0432252, MONDO:0009820, OMIM 259770.
Bone mineral density quantitative trait locus 1 (BMND1). Identifiers: MedGen C1866079, OMIM 601884.
Worth disease. Also called: Autosomal dominant osteosclerosis, Worth type; ENDOSTEAL HYPEROSTOSIS, AUTOSOMAL DOMINANT; OSTEOSCLEROSIS, AUTOSOMAL DOMINANT. Identifiers: Orphanet 2790, MedGen C0432273, MONDO:0007764, OMIM 144750.

Submissions (2):

Labcorp Genetics (formerly Invitae), Labcorp
Classification: Uncertain significance. Last evaluated: 2023-06-11. Review status: criteria provided, single submitter. Criteria: Invitae Variant Classification Sherloc (09022015). Collection method: clinical testing. Allele origin: germline.
Comment: In summary, the available evidence is currently insufficient to determine the role of this variant in disease. Therefore, it has been classified as a Variant of Uncertain Significance. This sequence change replaces methionine, which is neutral and non-polar, with threonine, which is neutral and polar, at codon 1400 of the LRP5 protein (p.Met1400Thr). This variant is not present in population databases (gnomAD no frequency). This variant has not been reported in the literature in individuals affected with LRP5-related conditions. ClinVar contains an entry for this variant (Variation ID: 1507482). Advanced modeling of protein sequence and biophysical properties (such as structural, functional, and spatial information, amino acid conservation, physicochemical variation, residue mobility, and thermodynamic stability) performed at Invitae indicates that this missense variant is not expected to disrupt LRP5 protein function.

Fulgent Genetics
Classification: Uncertain significance for Exudative vitreoretinopathy 1; Worth disease; Osteoporosis; Osteoporosis with pseudoglioma; Exudative vitreoretinopathy 4; Bone mineral density quantitative trait locus 1; Autosomal dominant osteopetrosis 1; Polycystic liver disease 4 with or without kidney cysts. Last evaluated: 2021-07-21. Review status: criteria provided, single submitter. Criteria: ACMG Guidelines, 2015. Collection method: clinical testing. Allele origin: unknown.

NM_002335.4(LRP5):c.4199T>C (p.Met1400Thr)

Gene: LRP5 (LDL receptor related protein 5; plus strand). Cytogenetic location: 11q13.2.
Variant type: single nucleotide variant.
Coding change: c.4199T>C on transcript NM_002335.4 (MANE Select); coding-DNA position 4199, T replaced by C.
Protein change: p.Met1400Thr; replaces methionine 1400 with threonine.
Molecular consequence: missense variant.
Genome position (GRCh38, 1-based): chr11:68,438,533, T>C. VCF-style: chr11-68438533-T-C. GRCh37 (hg19) VCF-style: chr11-68206001-T-C.
Other names: c.2456T>C, p.Met819Thr (NM_001291902.2); short protein forms M819T, M1400T.
Identifiers: ClinVar variation 1507482 (VCV001507482.9), dbSNP rs2153181249, ClinGen allele CA381614994.